The following is an entry in ClinVar:

ClinVar aggregate classification (germline): Uncertain significance. Review status: criteria provided, multiple submitters, no conflicts (2 of 4 stars). 2 submissions from 2 submitters: Uncertain significance (2). Last evaluated 2023-08-30.

Conditions:
Microphthalmia, syndromic 12 (MCOPS12). Also called: MICROPHTHALMIA WITH OR WITHOUT PULMONARY HYPOPLASIA, DIAPHRAGMATIC HERNIA, AND/OR CARDIAC DEFECTS. Identifiers: Orphanet 2470, Orphanet 689829, MedGen C3809803, MONDO:0014229, OMIM 615524.

Submissions (2):

GeneDx
Classification: Uncertain significance. Last evaluated: 2023-08-30. Review status: criteria provided, single submitter. Criteria: GeneDx Variant Classification Process June 2021. Collection method: clinical testing. Allele origin: germline.
Comment: Not observed at significant frequency in large population cohorts (gnomAD); In silico analysis supports that this missense variant has a deleterious effect on protein structure/function; Has not been previously published as pathogenic or benign to our knowledge

Labcorp Genetics (formerly Invitae), Labcorp
Classification: Uncertain significance for Microphthalmia, syndromic 12. Last evaluated: 2018-11-02. Review status: criteria provided, single submitter. Criteria: Invitae Variant Classification Sherloc (09022015). Collection method: clinical testing. Allele origin: germline.
Comment: This variant is not present in population databases (ExAC no frequency). In summary, the available evidence is currently insufficient to determine the role of this variant in disease. Therefore, it has been classified as a Variant of Uncertain Significance. Algorithms developed to predict the effect of missense changes on protein structure and function (SIFT, PolyPhen-2, Align-GVGD) all suggest that this variant is likely to be disruptive, but these predictions have not been confirmed by published functional studies and their clinical significance is uncertain. This variant has not been reported in the literature in individuals with RARB-related disease. This sequence change replaces threonine with isoleucine at codon 284 of the RARB protein (p.Thr284Ile). The threonine residue is highly conserved and there is a moderate physicochemical difference between threonine and isoleucine.

NM_000965.5(RARB):c.851C>T (p.Thr284Ile)

Gene: RARB (retinoic acid receptor beta; plus strand). Cytogenetic location: 3p24.2.
Variant type: single nucleotide variant.
Coding change: c.851C>T on transcript NM_000965.5 (MANE Select); coding-DNA position 851, C replaced by T.
Protein change: p.Thr284Ile; replaces threonine 284 with isoleucine.
Molecular consequence: missense variant. On other transcripts: non-coding transcript variant (1), intron variant (1).
Genome position (GRCh38, 1-based): chr3:25,593,567, C>T. VCF-style: chr3-25593567-C-T. GRCh37 (hg19) VCF-style: chr3-25635058-C-T.
Other names: c.872C>T, p.Thr291Ile (NM_001290216.3); c.515C>T, p.Thr172Ile (NM_001290217.2, NM_001290276.2, NM_016152.4); c.704C>T, p.Thr235Ile (NM_001290266.2); c.722C>T, p.Thr241Ile (NM_001290300.2); c.787-74C>T (NM_001290277.1); short protein forms T235I, T241I, T291I, T172I, T284I.
Identifiers: ClinVar variation 664808 (VCV000664808.8), dbSNP rs1575550287, ClinGen allele CA351886306.